The following is an entry in ClinVar:

NM_002055.5(GFAP):c.1204G>A (p.Gly402Ser)

Gene: GFAP (glial fibrillary acidic protein; minus strand). Cytogenetic location: 17q21.31.
Variant type: single nucleotide variant.
Coding change: c.1204G>A on transcript NM_002055.5 (MANE Select); coding-DNA position 1204, G replaced by A.
Protein change: p.Gly402Ser; replaces glycine 402 with serine.
Molecular consequence: missense variant.
Genome position (GRCh38, 1-based): chr17:44,908,117, C>T on the plus strand (G>A on the coding strand, the complement: GFAP is on the minus strand). VCF-style: chr17-44908117-C-T. GRCh37 (hg19) VCF-style: chr17-42985485-C-T.
Other names: c.1324G>A, p.Gly442Ser (NM_001363846.2); short protein forms G402S, G442S.
Identifiers: ClinVar variation 1362888 (VCV001362888.6), dbSNP rs764845464, ClinGen allele CA8608628.

ClinVar aggregate classification (germline): Uncertain significance (1 of 4 stars; one submission).

Allele frequency attached by ClinVar (database versions not stated): gnomAD exomes 0.00001 and 0.00002; ExAC 0.00003; gnomAD 0.00004; TOPMed 0.00006.
gnomAD v4.1: 13 of 1,609,678 alleles (0.00081%); highest among the groups gnomAD compares: Admixed American, 0.017%; no homozygotes.

Submission:

Labcorp Genetics (formerly Invitae), Labcorp
Classification: Uncertain significance. Last evaluated: 2022-01-15. Review status: criteria provided, single submitter. Criteria: Invitae Variant Classification Sherloc (09022015). Collection method: clinical testing. Allele origin: germline.
Comment: In summary, the available evidence is currently insufficient to determine the role of this variant in disease. Therefore, it has been classified as a Variant of Uncertain Significance. Algorithms developed to predict the effect of missense changes on protein structure and function (SIFT, PolyPhen-2, Align-GVGD) all suggest that this variant is likely to be tolerated. This variant has not been reported in the literature in individuals affected with GFAP-related conditions. This variant is present in population databases (rs764845464, gnomAD 0.009%). This sequence change replaces glycine, which is neutral and non-polar, with serine, which is neutral and polar, at codon 402 of the GFAP protein (p.Gly402Ser).